The following is an entry in ClinVar:

ClinVar aggregate classification (germline): Uncertain significance (1 of 4 stars; one submission).

Conditions:
Hereditary insensitivity to pain with anhidrosis (CIPA). Also called: NEUROPATHY, CONGENITAL SENSORY, WITH ANHIDROSIS; NTRK1 Congenital Insensitivity to Pain with Anhidrosis; INSENSITIVITY TO PAIN, CONGENITAL, WITH ANHIDROSIS; FAMILIAL DYSAUTONOMIA, TYPE II; hereditary sensory and autonomic neuropathy type 4; HSAN Type IV. Identifiers: Orphanet 642, MedGen C0020074, MONDO:0009746, OMIM 256800.

Allele frequency attached by ClinVar (database versions not stated): TOPMed below 0.00001; gnomAD exomes 0.00001 and 0.00002.
gnomAD v4.1: 25 of 1,550,666 alleles (0.0016%); highest among the groups gnomAD compares: Non-Finnish European, 0.0021%; no homozygotes.

Submission:

Labcorp Genetics (formerly Invitae), Labcorp
Classification: Uncertain significance for Hereditary insensitivity to pain with anhidrosis. Last evaluated: 2022-02-05. Review status: criteria provided, single submitter. Criteria: Invitae Variant Classification Sherloc (09022015). Collection method: clinical testing. Allele origin: germline.
Comment: This sequence change replaces isoleucine, which is neutral and non-polar, with valine, which is neutral and non-polar, at codon 228 of the NTRK1 protein (p.Ile228Val). This variant is not present in population databases (gnomAD no frequency). This variant has not been reported in the literature in individuals affected with NTRK1-related conditions. ClinVar contains an entry for this variant (Variation ID: 574496). Advanced modeling of protein sequence and biophysical properties (such as structural, functional, and spatial information, amino acid conservation, physicochemical variation, residue mobility, and thermodynamic stability) performed at Invitae indicates that this missense variant is not expected to disrupt NTRK1 protein function. In summary, the available evidence is currently insufficient to determine the role of this variant in disease. Therefore, it has been classified as a Variant of Uncertain Significance.

NM_002529.4(NTRK1):c.682A>G (p.Ile228Val)

Gene: NTRK1 (neurotrophic receptor tyrosine kinase 1; plus strand). Cytogenetic location: 1q23.1.
Variant type: single nucleotide variant.
Coding change: c.682A>G on transcript NM_002529.4 (MANE Select); coding-DNA position 682, A replaced by G.
Protein change: p.Ile228Val; replaces isoleucine 228 with valine.
Molecular consequence: missense variant.
Genome position (GRCh38, 1-based): chr1:156,868,612, A>G. VCF-style: chr1-156868612-A-G. GRCh37 (hg19) VCF-style: chr1-156838404-A-G.
Other names: c.592A>G, p.Ile198Val (NM_001007792.1); c.682A>G, p.Ile228Val (NM_001012331.2); short protein forms I198V, I228V.
Identifiers: ClinVar variation 574496 (VCV000574496.6), dbSNP rs1221240822, ClinGen allele CA342934818.